The following is an entry in ClinVar:

ClinVar aggregate classification (germline): Benign/Likely benign. Review status: criteria provided, multiple submitters, no conflicts (2 of 4 stars). 5 submissions from 5 submitters: Benign (1); Likely benign (4). Last evaluated 2025-11-25.

Conditions:
Hereditary cancer-predisposing syndrome. Also called: Hereditary neoplastic syndrome; Hereditary Cancer Syndrome; Neoplastic Syndromes, Hereditary; Tumor predisposition. Identifiers: Orphanet 140162, MedGen C0027672, MeSH D009386, MONDO:0015356.
Breast-ovarian cancer, familial, susceptibility to, 4. Identifiers: Orphanet 145, MedGen C3280345, MONDO:0013669, OMIM 614291.

Allele frequency attached by ClinVar (database versions not stated): gnomAD exomes below 0.00001 and 0.00001; ExAC 0.00001; gnomAD 0.00002; TOPMed 0.00003; ESP Exome Variant Server 0.00008.
gnomAD v4.1: 7 of 1,614,088 alleles (0.00043%); highest among the groups gnomAD compares: African/African-American, 0.0013%; no homozygotes.

Submissions (5):

Labcorp Genetics (formerly Invitae), Labcorp
Classification: Likely benign for Breast-ovarian cancer, familial, susceptibility to, 4. Last evaluated: 2025-11-25. Review status: criteria provided, single submitter. Criteria: Invitae Variant Classification Sherloc (09022015). Collection method: clinical testing. Allele origin: germline.

Myriad Genetics, Inc.
Classification: Benign for Breast-ovarian cancer, familial, susceptibility to, 4. Last evaluated: 2025-02-24. Review status: criteria provided, single submitter. Criteria: Myriad Autosomal Dominant, Autosomal Recessive and X-Linked Classification Criteria (2023). Collection method: clinical testing. Allele origin: unknown.
Comment: This variant is considered benign. This variant is a silent/synonymous amino acid change and it is not expected to impact splicing.

Sema4
Classification: Likely benign for Hereditary cancer-predisposing syndrome. Last evaluated: 2021-06-13. Review status: criteria provided, single submitter. Criteria: Sema4 Curation Guidelines. Collection method: curation. Allele origin: germline.

Color Diagnostics, LLC DBA Color Health
Classification: Likely benign for Hereditary cancer-predisposing syndrome. Last evaluated: 2017-11-06. Review status: criteria provided, single submitter. Criteria: ACMG Guidelines, 2015. Collection method: clinical testing. Allele origin: germline.

Ambry Genetics
Classification: Likely benign for Hereditary cancer-predisposing syndrome. Last evaluated: 2015-01-15. Review status: criteria provided, single submitter. Criteria: Ambry Variant Classification Scheme 2023. Collection method: clinical testing. Allele origin: germline.

NM_002878.4(RAD51D):c.627T>C (p.Thr209=)

Genes: RAD51L3-RFFL (RAD51L3-RFFL readthrough; minus strand), RAD51D (RAD51 paralog D; minus strand). Cytogenetic location: 17q12.
Variant type: single nucleotide variant.
Coding change: c.627T>C on transcript NM_002878.4 (MANE Select); coding-DNA position 627, T replaced by C.
Protein change: p.Thr209=; no amino-acid change (threonine 209 retained).
Molecular consequence: synonymous variant. On other transcripts: non-coding transcript variant (3).
Genome position (GRCh38, 1-based): chr17:35,103,494, A>G on the plus strand (T>C on the coding strand, the complement: RAD51D is on the minus strand). VCF-style: chr17-35103494-A-G. GRCh37 (hg19) VCF-style: chr17-33430513-A-G.
Other names: c.687T>C, p.Thr229= (NM_001142571.2); c.291T>C, p.Thr97= (NM_133629.3).
Identifiers: ClinVar variation 230158 (VCV000230158.19), dbSNP rs141545966, ClinGen allele CA8499402.